The following is an entry in ClinVar:

ClinVar aggregate classification (germline): Uncertain significance. Review status: criteria provided, multiple submitters, no conflicts (2 of 4 stars). 6 submissions from 6 submitters: Uncertain significance (6). Last evaluated 2026-01-27.

Conditions:
Cardiovascular phenotype. Identifiers: MedGen CN230736.
Hypertrophic cardiomyopathy 4. Also called: Familial hypertrophic cardiomyopathy 4. Identifiers: MedGen C1861862, MONDO:0007268, OMIM 115197.
Left ventricular noncompaction 10 (LVNC10). Identifiers: Orphanet 154, Orphanet 54260, MedGen C3715165, MONDO:0014163, OMIM 615396.
Hypertrophic cardiomyopathy. Also called: HYPERTROPHIC MYOCARDIOPATHY. Identifiers: Orphanet 217569, MedGen C0007194, MeSH D002312, MONDO:0005045, HP:0001639.

Allele frequency attached by ClinVar (database versions not stated): TOPMed below 0.00001.
gnomAD v4.1: 2 of 1,613,378 alleles (0.00012%); highest among the groups gnomAD compares: Admixed American, 0.0033%; no homozygotes.

Submissions (6):

Labcorp Genetics (formerly Invitae), Labcorp
Classification: Uncertain significance for Hypertrophic cardiomyopathy. Last evaluated: 2026-01-27. Review status: criteria provided, single submitter. Criteria: Invitae Variant Classification Sherloc (09022015). Collection method: clinical testing. Allele origin: germline.
Comment: This sequence change replaces threonine, which is neutral and polar, with proline, which is neutral and non-polar, at codon 243 of the MYBPC3 protein (p.Thr243Pro). This variant is present in population databases (rs730880625, gnomAD 0.006%). This missense change has been observed in individual(s) with MYBPC3-related conditions (PMID: 37652022). ClinVar contains an entry for this variant (Variation ID: 181048). An algorithm developed to predict the effect of missense changes on protein structure and function (PolyPhen-2) suggests that this variant is likely to be disruptive. In summary, the available evidence is currently insufficient to determine the role of this variant in disease. Therefore, it has been classified as a Variant of Uncertain Significance.

Women's Health and Genetics/Laboratory Corporation of America, LabCorp
Classification: Uncertain significance. Last evaluated: 2025-05-23. Review status: criteria provided, single submitter. Criteria: LabCorp Variant Classification Summary - May 2015. Collection method: clinical testing. Allele origin: germline.
Comment: Variant summary: MYBPC3 c.727A>C (p.Thr243Pro) results in a non-conservative amino acid change in the encoded protein sequence. Algorithms developed to predict the effect of missense changes on protein structure and function are either unavailable or do not agree on the potential impact of this missense change. The variant allele was found at a frequency of 8.1e-06 in 247508 control chromosomes. The available data on variant occurrences in the general population are insufficient to allow any conclusion about variant significance. c.727A>C has been observed in individual(s) affected with Cardiomyopathy (McGurk_2023). These report(s) do not provide unequivocal conclusions about association of the variant with Cardiomyopathy. To our knowledge, no experimental evidence demonstrating an impact on protein function has been reported. The following publication have been ascertained in the context of this evaluation (PMID: 37652022). ClinVar contains an entry for this variant (Variation ID: 181048). Based on the evidence outlined above, the variant was classified as uncertain significance.

Ambry Genetics
Classification: Uncertain significance for Cardiovascular phenotype. Last evaluated: 2024-05-21. Review status: criteria provided, single submitter. Criteria: Ambry Variant Classification Scheme 2023. Collection method: clinical testing. Allele origin: germline.
Comment: The p.T243P variant (also known as c.727A>C), located in coding exon 6 of the MYBPC3 gene, results from an A to C substitution at nucleotide position 727. The threonine at codon 243 is replaced by proline, an amino acid with highly similar properties. This amino acid position is not well conserved in available vertebrate species. In addition, the in silico prediction for this alteration is inconclusive. Since supporting evidence is limited at this time, the clinical significance of this alteration remains unclear.

All of Us Research Program, National Institutes of Health
Classification: Uncertain significance for Hypertrophic cardiomyopathy. Last evaluated: 2023-11-20. Review status: criteria provided, single submitter. Criteria: ACMG Guidelines, 2015. Collection method: clinical testing. Allele origin: germline. Inheritance: Autosomal dominant inheritance. Observed: 2 variant alleles, 2 heterozygotes.
Comment: This missense variant replaces threonine with proline at codon 243 of the MYBPC3 protein. Computational prediction is inconclusive regarding the impact of this variant on protein structure and function (internally defined REVEL score threshold 0.5 < inconclusive < 0.7, PMID: 27666373). To our knowledge, functional studies have not been reported for this variant. This variant has not been reported in individuals affected with MYBPC3-related disorders in the literature. This variant has been identified in 2/247508 chromosomes in the general population by the Genome Aggregation Database (gnomAD). The available evidence is insufficient to determine the role of this variant in disease conclusively. Therefore, this variant is classified as a Variant of Uncertain Significance.

This study involves interpretation of variants in research participants for the purpose of population health screening. Participant phenotype was not available at the time of variant classification. Additional details can be found in publication PMID: 35346344, PMCID: PMC8962531

GeneDx
Classification: Uncertain significance. Last evaluated: 2022-03-22. Review status: criteria provided, single submitter. Criteria: GeneDx Variant Classification Process June 2021. Collection method: clinical testing. Allele origin: germline. Affected: yes.
Comment: Has not been previously published as pathogenic or benign in association with cardiomyopathy to our knowledge; Not observed at significant frequency in large population cohorts (gnomAD); In silico analysis supports that this missense variant does not alter protein structure/function; This variant is associated with the following publications: (PMID: 28679633)

Fulgent Genetics
Classification: Uncertain significance for Hypertrophic cardiomyopathy 4; Left ventricular noncompaction 10. Last evaluated: 2021-10-13. Review status: criteria provided, single submitter. Criteria: ACMG Guidelines, 2015. Collection method: clinical testing. Allele origin: unknown.

Literature cited by the submitters: PubMed 37652022 (cited by Labcorp Genetics (formerly Invitae), Labcorp and Women's Health and Genetics/Laboratory Corporation of America, LabCorp).

NM_000256.3(MYBPC3):c.727A>C (p.Thr243Pro)

Gene: MYBPC3 (myosin binding protein C3; minus strand). Cytogenetic location: 11p11.2.
Variant type: single nucleotide variant.
Coding change: c.727A>C on transcript NM_000256.3 (MANE Select); coding-DNA position 727, A replaced by C.
Protein change: p.Thr243Pro; replaces threonine 243 with proline.
Molecular consequence: missense variant.
Genome position (GRCh38, 1-based): chr11:47,348,469, T>G on the plus strand (A>C on the coding strand, the complement: MYBPC3 is on the minus strand). VCF-style: chr11-47348469-T-G. GRCh37 (hg19) VCF-style: chr11-47370020-T-G.
Other names: p.T243P:ACC>CCC; c.727A>C, p.Thr243Pro (LRG_386t1); short protein forms T243P.
Identifiers: ClinVar variation 181048 (VCV000181048.16), dbSNP rs730880625, ClinGen allele CA015760.
Genomic context (GRCh38, chr11:47,348,469, plus strand): 5'-CCAGGGCCCCCTCACCGTGGACAGTGAGATTGAAGTTGGAGCAGTCAAATTTGTCCTTGG[T>G]GGACACCTCACAGCGGTAGCTGCCAGTGAAGGCAGGCTGGGCATCGGTGATGTGCAGCTC-3'
Protein context (NP_000247.2, residues 233-253): FTGSYRCEVS[Thr243Pro]KDKFDCSNFN